The following is an entry in ClinVar:

ClinVar aggregate classification (germline): Uncertain significance (1 of 4 stars; one submission).

Conditions:
3-methylglutaconic aciduria, type VIIB (MGCA7B). Also called: 3-methylglutaconic aciduria, type VII, with cataracts, neurologic involvement and neutropenia; CLPB Deficiency; 3-methylglutaconic aciduria with cataracts, neurologic involvement and neutropenia. Identifiers: Orphanet 445038, MedGen C5676893, MONDO:0014561, OMIM 616271.

Allele frequency attached by ClinVar (database versions not stated): gnomAD exomes 0.00001; ExAC 0.00001.
gnomAD v4.1: 4 of 1,614,208 alleles (0.00025%); highest among the groups gnomAD compares: Non-Finnish European, 0.00034%; no homozygotes.

Submission:

Labcorp Genetics (formerly Invitae), Labcorp
Classification: Uncertain significance for 3-methylglutaconic aciduria, type VIIB. Last evaluated: 2017-08-08. Review status: criteria provided, single submitter. Criteria: Invitae Variant Classification Sherloc (09022015). Collection method: clinical testing. Allele origin: germline.
Comment: In summary, the available evidence is currently insufficient to determine the role of this variant in disease. Therefore, it has been classified as a Variant of Uncertain Significance. Algorithms developed to predict the effect of missense changes on protein structure and function do not agree on the potential impact of this missense change (SIFT: "Tolerated"; PolyPhen-2: "Probably Damaging"; Align-GVGD: "Class C0"). This variant has not been reported in the literature in individuals with CLPB-related disease. The frequency data for this variant in the population databases is considered unreliable, as metrics indicate poor data quality at this position in the ExAC database. This sequence change replaces glutamic acid with lysine at codon 365 of the CLPB protein (p.Glu365Lys). The glutamic acid residue is moderately conserved and there is a small physicochemical difference between glutamic acid and lysine.

NM_001258392.3(CLPB):c.1003G>A (p.Glu335Lys)

Gene: CLPB (ClpB family mitochondrial disaggregase; minus strand). Cytogenetic location: 11q13.4.
Variant type: single nucleotide variant.
Coding change: c.1003G>A on transcript NM_001258392.3 (MANE Select); coding-DNA position 1003, G replaced by A.
Protein change: p.Glu335Lys; replaces glutamic acid 335 with lysine.
Molecular consequence: missense variant.
Genome position (GRCh38, 1-based): chr11:72,308,590, C>T on the plus strand (G>A on the coding strand, the complement: CLPB is on the minus strand). VCF-style: chr11-72308590-C-T. GRCh37 (hg19) VCF-style: chr11-72019634-C-T.
Other names: c.916G>A, p.Glu306Lys (NM_001258393.3); c.958G>A, p.Glu320Lys (NM_001258394.3); c.1093G>A, p.Glu365Lys (NM_030813.6); short protein forms E365K, E335K, E306K, E320K.
Identifiers: ClinVar variation 476191 (VCV000476191.9), dbSNP rs765777645, ClinGen allele CA6171296.